The following is an entry in ClinVar:

ClinVar aggregate classification (germline): Uncertain significance. Review status: criteria provided, multiple submitters, no conflicts (2 of 4 stars). 2 submissions from 2 submitters: Uncertain significance (2). Last evaluated 2024-08-20.

Conditions:
Inborn genetic diseases. Identifiers: MedGen C0950123, MeSH D030342.
Congenital myasthenic syndrome 8. Also called: Myasthenic syndrome, congenital, 8, with pre- and postsynaptic defects; MYASTHENIC SYNDROME, CONGENITAL, DUE TO AGRIN DEFICIENCY. Identifiers: Orphanet 590, MedGen C3808739, MONDO:0014052, OMIM 615120.

Allele frequency attached by ClinVar (database versions not stated): gnomAD 0.00001; TOPMed 0.00001; ExAC 0.00002; gnomAD exomes 0.00002 and 0.00006.
gnomAD v4.1: 87 of 1,583,368 alleles (0.0055%); highest among the groups gnomAD compares: East Asian, 0.014%; no homozygotes.

Submissions (2):

Ambry Genetics
Classification: Uncertain significance for Inborn genetic diseases. Last evaluated: 2024-08-20. Review status: criteria provided, single submitter. Criteria: Ambry Variant Classification Scheme 2023. Collection method: clinical testing. Allele origin: germline.

Labcorp Genetics (formerly Invitae), Labcorp
Classification: Uncertain significance for Congenital myasthenic syndrome 8. Last evaluated: 2022-07-05. Review status: criteria provided, single submitter. Criteria: Invitae Variant Classification Sherloc (09022015). Collection method: clinical testing. Allele origin: germline.
Comment: Algorithms developed to predict the effect of missense changes on protein structure and function output the following: SIFT: "Deleterious"; PolyPhen-2: "Benign"; Align-GVGD: "Class C0". The methionine amino acid residue is found in multiple mammalian species, which suggests that this missense change does not adversely affect protein function. In summary, the available evidence is currently insufficient to determine the role of this variant in disease. Therefore, it has been classified as a Variant of Uncertain Significance. ClinVar contains an entry for this variant (Variation ID: 571650). This sequence change replaces threonine, which is neutral and polar, with methionine, which is neutral and non-polar, at codon 1270 of the AGRN protein (p.Thr1270Met). The frequency data for this variant in the population databases is considered unreliable, as metrics indicate poor data quality at this position in the gnomAD database. This variant has not been reported in the literature in individuals affected with AGRN-related conditions.

NM_198576.4(AGRN):c.3809C>T (p.Thr1270Met)

Gene: AGRN (agrin; plus strand). Cytogenetic location: 1p36.33.
Variant type: single nucleotide variant.
Coding change: c.3809C>T on transcript NM_198576.4 (MANE Select); coding-DNA position 3809, C replaced by T.
Protein change: p.Thr1270Met; replaces threonine 1270 with methionine.
Molecular consequence: missense variant.
Genome position (GRCh38, 1-based): chr1:1,048,069, C>T. VCF-style: chr1-1048069-C-T. GRCh37 (hg19) VCF-style: chr1-983449-C-T.
Other names: c.3809C>T, p.Thr1270Met (NM_001305275.2); c.3494C>T, p.Thr1165Met (NM_001364727.2); short protein forms T1270M, T1165M.
Identifiers: ClinVar variation 571650 (VCV000571650.8), dbSNP rs779140262, ClinGen allele CA509248.
Genomic context (GRCh38, chr1:1,048,069, plus strand): 5'-CAGACTGGTTTCCTGCGTTTATCACGGGGGCCACGTCAGGAGCCATTGCTGCGGGAGCCA[C>T]GGCCAGAGCCACCACTGCATCGCGCCTGCCGTCCTCTGCTGTGACCCCTCGGGCCCCGCA-3'
Protein context (NP_940978.2, residues 1260-1280): ATSGAIAAGA[Thr1270Met]ARATTASRLP